The following is an entry in ClinVar:

ClinVar aggregate classification (germline): Uncertain significance (1 of 4 stars; one submission).

Submission:

Labcorp Genetics (formerly Invitae), Labcorp
Classification: Uncertain significance. Last evaluated: 2022-01-28. Review status: criteria provided, single submitter. Criteria: Invitae Variant Classification Sherloc (09022015). Collection method: clinical testing. Allele origin: germline.
Comment: In summary, the available evidence is currently insufficient to determine the role of this variant in disease. Therefore, it has been classified as a Variant of Uncertain Significance. Algorithms developed to predict the effect of missense changes on protein structure and function are either unavailable or do not agree on the potential impact of this missense change (SIFT: "Deleterious"; PolyPhen-2: "Probably Damaging"; Align-GVGD: "Class C0"). This missense change has been observed in at least one individual who was not affected with TEAD1-related conditions (Invitae). This variant has not been reported in the literature in individuals affected with TEAD1-related conditions. This variant is not present in population databases (gnomAD no frequency). This sequence change replaces arginine, which is basic and polar, with tryptophan, which is neutral and slightly polar, at codon 422 of the TEAD1 protein (p.Arg422Trp).

NM_021961.6(TEAD1):c.1264A>T (p.Arg422Trp)

Gene: TEAD1 (TEA domain transcription factor 1; plus strand). Cytogenetic location: 11p15.3.
Variant type: single nucleotide variant.
Coding change: c.1264A>T on transcript NM_021961.6 (MANE Select); coding-DNA position 1264, A replaced by T.
Protein change: p.Arg422Trp; replaces arginine 422 with tryptophan.
Molecular consequence: missense variant.
Genome position (GRCh38, 1-based): chr11:12,937,205, A>T. VCF-style: chr11-12937205-A-T. GRCh37 (hg19) VCF-style: chr11-12958752-A-T.
Other names: short protein forms R422W.
Identifiers: ClinVar variation 1425802 (VCV001425802.6), dbSNP rs2134179590, ClinGen allele CA379711419.